The following is an entry in ClinVar:

ClinVar aggregate classification (germline): Uncertain significance (1 of 4 stars; one submission).

Allele frequency attached by ClinVar (database versions not stated): ExAC 0.00001.

Submission:

Labcorp Genetics (formerly Invitae), Labcorp
Classification: Uncertain significance. Last evaluated: 2022-08-09. Review status: criteria provided, single submitter. Criteria: Invitae Variant Classification Sherloc (09022015). Collection method: clinical testing. Allele origin: germline.
Comment: This variant has not been reported in the literature in individuals affected with GLYCTK-related conditions. This sequence change replaces methionine, which is neutral and non-polar, with isoleucine, which is neutral and non-polar, at codon 513 of the GLYCTK protein (p.Met513Ile). This variant is present in population databases (rs746028398, gnomAD 0.0009%). Algorithms developed to predict the effect of missense changes on protein structure and function are either unavailable or do not agree on the potential impact of this missense change (SIFT: "Deleterious"; PolyPhen-2: "Possibly Damaging"; Align-GVGD: "Class C0"). In summary, the available evidence is currently insufficient to determine the role of this variant in disease. Therefore, it has been classified as a Variant of Uncertain Significance.

NM_145262.4(GLYCTK):c.1539G>A (p.Met513Ile)

Gene: GLYCTK (glycerate kinase; plus strand). Cytogenetic location: 3p21.2.
Variant type: single nucleotide variant.
Coding change: c.1539G>A on transcript NM_145262.4 (MANE Select); coding-DNA position 1539, G replaced by A.
Protein change: p.Met513Ile; replaces methionine 513 with isoleucine.
Molecular consequence: missense variant. On other transcripts: 3 prime UTR variant (1), non-coding transcript variant (4).
Genome position (GRCh38, 1-based): chr3:52,293,093, G>A. VCF-style: chr3-52293093-G-A. GRCh37 (hg19) VCF-style: chr3-52327109-G-A.
Other names: c.*658G>A (NM_001144951.2); short protein forms M513I.
Identifiers: ClinVar variation 2126013 (VCV002126013.4), dbSNP rs746028398, ClinGen allele CA2432349.
Genomic context (GRCh38, chr3:52,293,093, plus strand): 5'-CTGCTGCCTCCAGGGTGGGGCACACCTGCTGCACACAGGGATGACAGGTACCAATGTCAT[G>A]GACACCCACCTCTTGTTCCTGCGGCCTCGGTGATGGCATAGGTCACATTTTGGGAGTTCA-3'
Protein context (NP_660305.2, residues 503-523): LHTGMTGTNV[Met513Ile]DTHLLFLRPR